The following is an entry in ClinVar:

NM_022436.3(ABCG5):c.1435del (p.Thr479fs)

Genes: ABCG5 (ATP binding cassette subfamily G member 5; minus strand), DYNC2LI1 (dynein cytoplasmic 2 light intermediate chain 1; plus strand). Cytogenetic location: 2p21.
Variant type: Deletion.
Coding change: c.1435del on transcript NM_022436.3 (MANE Select); coding-DNA position 1435, one base deleted (A; older notation c.1435delA).
Protein change: p.Thr479fs; shifts the reading frame from threonine 479.
Molecular consequence: frameshift variant. On other transcripts: intron variant (2).
Genome position (GRCh38, 1-based): chr2:43,822,825, T deleted on the plus strand (A on the coding strand, the reverse complement: ABCG5 is on the minus strand). VCF-style (leftmost placement, unchanged base first): chr2-43822824-GT-G. GRCh37 (hg19) VCF-style: chr2-44049963-GT-G.
Other names: c.*16-4561del (NM_001348913.2, NM_001348912.2); short protein forms T479fs.
Identifiers: ClinVar variation 4713262 (VCV004713262.1).

ClinVar aggregate classification (germline): Pathogenic (1 of 4 stars; one submission).

Conditions:
Sitosterolemia (STSL). Also called: PHYTOSTEROLEMIA. Identifiers: Orphanet 2882, MedGen C0342907, MONDO:0008863.

Submission:

Labcorp Genetics (formerly Invitae), Labcorp
Classification: Pathogenic for Sitosterolemia. Last evaluated: 2025-02-17. Review status: criteria provided, single submitter. Criteria: Invitae Variant Classification Sherloc (09022015). Collection method: clinical testing. Allele origin: germline.
Comment: This sequence change creates a premature translational stop signal (p.Thr479Profs*2) in the ABCG5 gene. It is expected to result in an absent or disrupted protein product. Loss-of-function variants in ABCG5 are known to be pathogenic (PMID: 11138003, 25665839). This variant is not present in population databases (gnomAD no frequency). This variant has not been reported in the literature in individuals affected with ABCG5-related conditions. Algorithms developed to predict the effect of sequence changes on RNA splicing suggest that this variant may disrupt the consensus splice site. For these reasons, this variant has been classified as Pathogenic.

Literature cited by the submitters: PubMed 11138003; PubMed 25665839.